The following is an entry in ClinVar:

NM_002334.4(LRP4):c.4250G>A (p.Ser1417Asn)

Genes: LRP4-AS1 (LRP4 antisense RNA 1; plus strand), LRP4 (LDL receptor related protein 4; minus strand). Cytogenetic location: 11p11.2.
Variant type: single nucleotide variant.
Coding change: c.4250G>A on transcript NM_002334.4 (MANE Select); coding-DNA position 4250, G replaced by A.
Protein change: p.Ser1417Asn; replaces serine 1417 with asparagine.
Molecular consequence: missense variant. On other transcripts: non-coding transcript variant (1).
Genome position (GRCh38, 1-based): chr11:46,873,573, C>T on the plus strand (G>A on the coding strand, the complement: LRP4 is on the minus strand). VCF-style: chr11-46873573-C-T. GRCh37 (hg19) VCF-style: chr11-46895124-C-T.
Other names: c.4250G>A (NM_002334.3); short protein forms S1417N.
Identifiers: ClinVar variation 1364643 (VCV001364643.6), dbSNP rs758719937, ClinGen allele CA5969370.
Genomic context (GRCh38, chr11:46,873,573, plus strand): 5'-CAGTCCACTGCCAGCCCGTCAGTGGTCTTCAGCCCTCGCCCGATCACTGTCTCCATGTTG[C>T]TGCCGTTCAGGTCTGCTCGCCTTGGGGAGAGCCCAGTGTTGGATGAGCAACCAGACTGAC-3'
Protein context (NP_002325.2, residues 1407-1427): DVIRRADLNG[Ser1417Asn]NMETVIGRGL

ClinVar aggregate classification (germline): Uncertain significance. Review status: criteria provided, multiple submitters, no conflicts (2 of 4 stars). 2 submissions from 2 submitters: Uncertain significance (2). Last evaluated 2025-09-28.

Conditions:
Sclerosteosis 2 (SOST2). Identifiers: Orphanet 3152, MedGen C3280402, MONDO:0013679, OMIM 614305.
Congenital myasthenic syndrome 17. Identifiers: Orphanet 590, MedGen C4225377, MONDO:0014578, OMIM 616304.
Cenani-Lenz syndactyly syndrome. Also called: CENANI SYNDACTYLISM; SYNDACTYLY, TYPE VII. Identifiers: Orphanet 3258, MedGen C1859309, MONDO:0008931, OMIM 212780.
Inborn genetic diseases. Identifiers: MedGen C0950123, MeSH D030342.

Allele frequency attached by ClinVar (database versions not stated): gnomAD 0.00001; gnomAD exomes 0.00001 and 0.00002; ExAC 0.00002; TOPMed 0.00002.
gnomAD v4.1: 27 of 1,613,676 alleles (0.0017%); highest among the groups gnomAD compares: Non-Finnish European, 0.0023%; no homozygotes.

Submissions (2):

Ambry Genetics
Classification: Uncertain significance for Inborn genetic diseases. Last evaluated: 2025-09-28. Review status: criteria provided, single submitter. Criteria: Ambry Variant Classification Scheme 2023. Collection method: clinical testing. Allele origin: germline.

Labcorp Genetics (formerly Invitae), Labcorp
Classification: Uncertain significance for Cenani-Lenz syndactyly syndrome; Sclerosteosis 2; Congenital myasthenic syndrome 17. Last evaluated: 2024-10-26. Review status: criteria provided, single submitter. Criteria: Invitae Variant Classification Sherloc (09022015). Collection method: clinical testing. Allele origin: germline.
Comment: This sequence change replaces serine, which is neutral and polar, with asparagine, which is neutral and polar, at codon 1417 of the LRP4 protein (p.Ser1417Asn). This variant is present in population databases (rs758719937, gnomAD 0.002%). This variant has not been reported in the literature in individuals affected with LRP4-related conditions. ClinVar contains an entry for this variant (Variation ID: 1364643). Invitae Evidence Modeling of protein sequence and biophysical properties (such as structural, functional, and spatial information, amino acid conservation, physicochemical variation, residue mobility, and thermodynamic stability) indicates that this missense variant is not expected to disrupt LRP4 protein function with a negative predictive value of 80%. In summary, the available evidence is currently insufficient to determine the role of this variant in disease. Therefore, it has been classified as a Variant of Uncertain Significance.